The following is an entry in ClinVar:

ClinVar aggregate classification (germline): Uncertain significance (1 of 4 stars; one submission).

Conditions:
Adams-Oliver syndrome 5 (AOS5). Identifiers: Orphanet 974, MedGen C4014970, MONDO:0014459, OMIM 616028.

Allele frequency attached by ClinVar (database versions not stated): TOPMed below 0.00001; gnomAD 0.00001.
gnomAD v4.1: 5 of 1,593,400 alleles (0.00031%); highest among the groups gnomAD compares: Non-Finnish European, 0.00043%; no homozygotes.

Submission:

Labcorp Genetics (formerly Invitae), Labcorp
Classification: Uncertain significance for Adams-Oliver syndrome 5. Last evaluated: 2023-12-19. Review status: criteria provided, single submitter. Criteria: Invitae Variant Classification Sherloc (09022015). Collection method: clinical testing. Allele origin: germline.
Comment: This sequence change replaces proline, which is neutral and non-polar, with serine, which is neutral and polar, at codon 2469 of the NOTCH1 protein (p.Pro2469Ser). This variant is not present in population databases (gnomAD no frequency). This variant has not been reported in the literature in individuals affected with NOTCH1-related conditions. Advanced modeling of protein sequence and biophysical properties (such as structural, functional, and spatial information, amino acid conservation, physicochemical variation, residue mobility, and thermodynamic stability) performed at Invitae indicates that this missense variant is not expected to disrupt NOTCH1 protein function with a negative predictive value of 80%. In summary, the available evidence is currently insufficient to determine the role of this variant in disease. Therefore, it has been classified as a Variant of Uncertain Significance.

NM_017617.5(NOTCH1):c.7405C>T (p.Pro2469Ser)

Gene: NOTCH1 (notch receptor 1; minus strand). Cytogenetic location: 9q34.3.
Variant type: single nucleotide variant.
Coding change: c.7405C>T on transcript NM_017617.5 (MANE Select); coding-DNA position 7405, C replaced by T.
Protein change: p.Pro2469Ser; replaces proline 2469 with serine.
Molecular consequence: missense variant.
Genome position (GRCh38, 1-based): chr9:136,496,334, G>A on the plus strand (C>T on the coding strand, the complement: NOTCH1 is on the minus strand). VCF-style: chr9-136496334-G-A. GRCh37 (hg19) VCF-style: chr9-139390786-G-A.
Other names: short protein forms P2469S.
Identifiers: ClinVar variation 2897787 (VCV002897787.3), dbSNP rs1480618339, ClinGen allele CA375626480.